The following is an entry in ClinVar:

NM_001369.3(DNAH5):c.3928dup (p.Leu1310fs)

Genes: DNAH5 (dynein axonemal heavy chain 5; minus strand), DNAH5-AS1 (DNAH5 antisense RNA 1; plus strand). Cytogenetic location: 5p15.2.
Variant type: Duplication.
Coding change: c.3928dup on transcript NM_001369.3 (MANE Select); coding-DNA position 3928, one base duplicated (C; older notation c.3928dupC).
Protein change: p.Leu1310fs; shifts the reading frame from leucine 1310.
Molecular consequence: frameshift variant.
Genome position (GRCh38, 1-based): chr5:13,867,899, G duplicated on the plus strand (C on the coding strand, the reverse complement: DNAH5 is on the minus strand). VCF-style (leftmost placement, unchanged base first): chr5-13867898-A-AG. GRCh37 (hg19) VCF-style: chr5-13868007-A-AG.
Other names: short protein forms L1310fs.
Identifiers: ClinVar variation 5013438 (VCV005013438.1).

ClinVar aggregate classification (germline): Pathogenic (1 of 4 stars; one submission).

Conditions:
Primary ciliary dyskinesia 3. Identifiers: Orphanet 244, MedGen C1837618, MONDO:0012085, OMIM 608644.

Submission:

Myriad Genetics, Inc.
Classification: Pathogenic for Primary ciliary dyskinesia 3. Last evaluated: 2024-08-11. Review status: criteria provided, single submitter. Criteria: Myriad Autosomal Dominant, Autosomal Recessive and X-Linked Classification Criteria (2023). Collection method: clinical testing. Allele origin: unknown.
Comment: NM_001369.2(DNAH5):c.3928dupC(L1310Pfs*10) is expected to be pathogenic in the context of primary ciliary dyskinesia, DNAH5-related. This variant is predicted to lead to an abnormal or absent protein product due to the creation of a premature termination codon in DNAH5, a gene where loss-of-function variants are known to be pathogenic. Please note: this variant was assessed in the context of healthy population screening.